The following is an entry in ClinVar:

ClinVar aggregate classification (germline): Conflicting classifications of pathogenicity. Review status: criteria provided, conflicting classifications (1 of 4 stars). 2 submissions from 2 submitters: Uncertain significance (1); Likely benign (1). Last evaluated 2024-02-26.

Conditions:
Hereditary cancer-predisposing syndrome. Also called: Neoplastic Syndromes, Hereditary; Tumor predisposition; Hereditary Cancer Syndrome; Hereditary neoplastic syndrome. Identifiers: Orphanet 140162, MedGen C0027672, MeSH D009386, MONDO:0015356.
Fanconi anemia complementation group O. Also called: RAD51C-Related Fanconi Anemia. Identifiers: Orphanet 84, MedGen C3150653, MONDO:0013248, OMIM 613390.

Submissions (2):

Ambry Genetics
Classification: Likely benign for Hereditary cancer-predisposing syndrome. Last evaluated: 2024-02-26. Review status: criteria provided, single submitter. Criteria: Ambry Variant Classification Scheme 2023. Collection method: clinical testing. Allele origin: germline.

Labcorp Genetics (formerly Invitae), Labcorp
Classification: Uncertain significance for Fanconi anemia complementation group O. Last evaluated: 2022-09-19. Review status: criteria provided, single submitter. Criteria: Invitae Variant Classification Sherloc (09022015). Collection method: clinical testing. Allele origin: germline.
Comment: This sequence change replaces aspartic acid, which is acidic and polar, with asparagine, which is neutral and polar, at codon 13 of the RAD51C protein (p.Asp13Asn). In summary, the available evidence is currently insufficient to determine the role of this variant in disease. Therefore, it has been classified as a Variant of Uncertain Significance. Algorithms developed to predict the effect of missense changes on protein structure and function (SIFT, PolyPhen-2, Align-GVGD) all suggest that this variant is likely to be tolerated. ClinVar contains an entry for this variant (Variation ID: 568432). This variant has not been reported in the literature in individuals affected with RAD51C-related conditions. This variant is not present in population databases (gnomAD no frequency).

NM_058216.3(RAD51C):c.37G>A (p.Asp13Asn)

Gene: RAD51C (RAD51 paralog C; plus strand). Cytogenetic location: 17q22.
Variant type: single nucleotide variant.
Coding change: c.37G>A on transcript NM_058216.3 (MANE Select); coding-DNA position 37, G replaced by A.
Protein change: p.Asp13Asn; replaces aspartic acid 13 with asparagine.
Molecular consequence: missense variant. On other transcripts: non-coding transcript variant (2).
Genome position (GRCh38, 1-based): chr17:58,692,680, G>A. VCF-style: chr17-58692680-G-A. GRCh37 (hg19) VCF-style: chr17-56770041-G-A.
Other names: c.37G>A, p.Asp13Asn (NM_002876.4); short protein forms D13N.
Identifiers: ClinVar variation 568432 (VCV000568432.11), dbSNP rs1060502603, ClinGen allele CA400336507.